The following is an entry in ClinVar:

ClinVar aggregate classification (germline): Benign/Likely benign. Review status: criteria provided, multiple submitters, no conflicts (2 of 4 stars). 5 submissions from 5 submitters: Benign (3); Likely benign (2). Last evaluated 2025-12-24.

Conditions:
Inborn genetic diseases. Identifiers: MedGen C0950123, MeSH D030342.

Allele frequency attached by ClinVar (database versions not stated): ESP Exome Variant Server 0.00008; gnomAD 0.00044 and 0.00068; TOPMed 0.00046; gnomAD exomes 0.00104 and 0.00176; ExAC 0.00189; 1000 Genomes Project 0.00260; 1000 Genomes Project 30x 0.00281.
gnomAD v4.1: 1,611 of 1,614,136 alleles (0.1%); highest among the groups gnomAD compares: South Asian, 0.91%; 14 homozygotes.

Submissions (5):

Labcorp Genetics (formerly Invitae), Labcorp
Classification: Benign. Last evaluated: 2025-12-24. Review status: criteria provided, single submitter. Criteria: Invitae Variant Classification Sherloc (09022015). Collection method: clinical testing. Allele origin: germline.

CeGaT Center for Human Genetics Tuebingen
Classification: Likely benign. Last evaluated: 2024-05-01. Review status: criteria provided, single submitter. Criteria: CeGaT Center For Human Genetics Tuebingen Variant Classification Criteria Version 2. Collection method: clinical testing. Allele origin: germline. Affected: yes. Observed: 3 variant alleles.
Comment: VPS13D: BP4, BS2

Ambry Genetics
Classification: Likely benign for Inborn genetic diseases. Last evaluated: 2023-06-06. Review status: criteria provided, single submitter. Criteria: Ambry Variant Classification Scheme 2023. Collection method: clinical testing. Allele origin: germline.

Mayo Clinic Laboratories, Mayo Clinic
Classification: Benign. Last evaluated: 2023-05-12. Review status: criteria provided, single submitter. Criteria: ACMG Guidelines, 2015. Collection method: clinical testing. Allele origin: germline. Observed: 5 variant alleles.
Comment: BS1, BS2, BP4

Breakthrough Genomics
Classification: Benign. Review status: criteria provided, single submitter. Criteria: ACMG Guidelines, 2015. Collection method: not provided. Allele origin: germline. Inheritance: Autosomal recessive inheritance. Affected: yes.

Literature cited by the submitters: PubMed 36156252 (cited by Mayo Clinic Laboratories, Mayo Clinic).

NM_015378.4(VPS13D):c.3178G>A (p.Asp1060Asn)

Gene: VPS13D (vacuolar protein sorting 13 homolog D; plus strand). Cytogenetic location: 1p36.22.
Variant type: single nucleotide variant.
Coding change: c.3178G>A on transcript NM_015378.4 (MANE Select); coding-DNA position 3178, G replaced by A.
Protein change: p.Asp1060Asn; replaces aspartic acid 1060 with asparagine.
Molecular consequence: missense variant.
Genome position (GRCh38, 1-based): chr1:12,276,766, G>A. VCF-style: chr1-12276766-G-A. GRCh37 (hg19) VCF-style: chr1-12336823-G-A.
Other names: p.Asp1060Asn; c.3178G>A (NM_015378.2); c.3178G>A, p.Asp1060Asn (NM_018156.4); short protein forms D1060N.
Identifiers: ClinVar variation 1599589 (VCV001599589.36), dbSNP rs200303790, ClinGen allele CA601938.